The following is an entry in ClinVar:

ClinVar aggregate classification (germline): Uncertain significance (1 of 4 stars; one submission).

Submission:

Labcorp Genetics (formerly Invitae), Labcorp
Classification: Uncertain significance. Last evaluated: 2022-01-17. Review status: criteria provided, single submitter. Criteria: Invitae Variant Classification Sherloc (09022015). Collection method: clinical testing. Allele origin: germline.
Comment: In summary, the available evidence is currently insufficient to determine the role of this variant in disease. Therefore, it has been classified as a Variant of Uncertain Significance. This sequence change replaces serine, which is neutral and polar, with isoleucine, which is neutral and non-polar, at codon 150 of the ARHGEF18 protein (p.Ser150Ile). This variant is not present in population databases (gnomAD no frequency). This variant has not been reported in the literature in individuals affected with ARHGEF18-related conditions. Algorithms developed to predict the effect of missense changes on protein structure and function are either unavailable or do not agree on the potential impact of this missense change (SIFT: "Deleterious"; PolyPhen-2: "Possibly Damaging"; Align-GVGD: "Class C0").

NM_001367823.1(ARHGEF18):c.1013G>T (p.Ser338Ile)

Gene: ARHGEF18 (Rho/Rac guanine nucleotide exchange factor 18; plus strand). Cytogenetic location: 19p13.2.
Variant type: single nucleotide variant.
Coding change: c.1013G>T on transcript NM_001367823.1 (MANE Select); coding-DNA position 1013, G replaced by T.
Protein change: p.Ser338Ile; replaces serine 338 with isoleucine.
Molecular consequence: missense variant. On other transcripts: 5 prime UTR variant (2).
Genome position (GRCh38, 1-based): chr19:7,440,389, G>T. VCF-style: chr19-7440389-G-T. GRCh37 (hg19) VCF-style: chr19-7505275-G-T.
Other names: c.287G>T, p.Ser96Ile (NM_001130955.2); c.-26G>T (NM_001367824.1, NM_015318.4); short protein forms S338I, S96I.
Identifiers: ClinVar variation 1351872 (VCV001351872.6), dbSNP rs2145773190, ClinGen allele CA403096221.